The following is an entry in ClinVar:

NM_144701.3(IL23R):c.28G>A (p.Ala10Thr)

Gene: IL23R (interleukin 23 receptor; plus strand). Cytogenetic location: 1p31.3.
Variant type: single nucleotide variant.
Coding change: c.28G>A on transcript NM_144701.3 (MANE Select); coding-DNA position 28, G replaced by A.
Protein change: p.Ala10Thr; replaces alanine 10 with threonine.
Molecular consequence: missense variant.
Genome position (GRCh38, 1-based): chr1:67,168,148, G>A. VCF-style: chr1-67168148-G-A. GRCh37 (hg19) VCF-style: chr1-67633831-G-A.
Other names: short protein forms A10T.
Identifiers: ClinVar variation 2099163 (VCV002099163.4), dbSNP rs769230441, ClinGen allele CA899617.
Genomic context (GRCh38, chr1:67,168,148, plus strand): 5'-CCAGAGGGAAACAGTCTTTTCCTGCTTCCAGACATGAATCAGGTCACTATTCAATGGGAT[G>A]CAGTAATAGCCCTTTACATACTCTTCAGCTGGTGTCATGGAGGTATGGTGTTTTATGTAT-3'
Protein context (NP_653302.2, residues 1-20): MNQVTIQWD[Ala10Thr]VIALYILFSW

ClinVar aggregate classification (germline): Uncertain significance (1 of 4 stars; one submission).

Allele frequency attached by ClinVar (database versions not stated): ExAC 0.00002; gnomAD exomes 0.00001; gnomAD 0.00001; TOPMed 0.00001.
gnomAD v4.1: 9 of 1,611,962 alleles (0.00056%); highest among the groups gnomAD compares: Admixed American, 0.0067%; 1 homozygote.

Submission:

Labcorp Genetics (formerly Invitae), Labcorp
Classification: Uncertain significance. Last evaluated: 2025-03-22. Review status: criteria provided, single submitter. Criteria: Invitae Variant Classification Sherloc (09022015). Collection method: clinical testing. Allele origin: germline.
Comment: This sequence change replaces alanine, which is neutral and non-polar, with threonine, which is neutral and polar, at codon 10 of the IL23R protein (p.Ala10Thr). This variant is present in population databases (rs769230441, gnomAD 0.01%). This variant has not been reported in the literature in individuals affected with IL23R-related conditions. ClinVar contains an entry for this variant (Variation ID: 2099163). An algorithm developed to predict the effect of missense changes on protein structure and function (PolyPhen-2) suggests that this variant is likely to be tolerated. In summary, the available evidence is currently insufficient to determine the role of this variant in disease. Therefore, it has been classified as a Variant of Uncertain Significance.